The following is an entry in ClinVar:

ClinVar aggregate classification (germline): Likely pathogenic (1 of 4 stars; one submission).

Conditions:
Primary ciliary dyskinesia 3. Identifiers: Orphanet 244, MedGen C1837618, MONDO:0012085, OMIM 608644.

Submission:

Myriad Genetics, Inc.
Classification: Likely pathogenic for Primary ciliary dyskinesia 3. Last evaluated: 2021-12-17. Review status: criteria provided, single submitter. Criteria: Myriad Women's Health Autosomal Recessive and X-Linked Classification Criteria (2021). Collection method: clinical testing. Allele origin: unknown.
Comment: NM_001369.2(DNAH5):c.4545delG(K1515Nfs*2) is expected to be pathogenic in the context of DNAH5-related primary ciliary dyskinesia. This variant is predicted to lead to an abnormal or absent protein product due to the creation of a premature termination codon in DNAH5, a gene where loss-of-function variants are known to be pathogenic. Please note: this variant was assessed in the context of healthy population screening.

NM_001369.3(DNAH5):c.4545del (p.Lys1515fs)

Genes: DNAH5 (dynein axonemal heavy chain 5; minus strand), DNAH5-AS1 (DNAH5 antisense RNA 1; plus strand). Cytogenetic location: 5p15.2.
Variant type: Deletion.
Coding change: c.4545del on transcript NM_001369.3 (MANE Select); coding-DNA position 4545, one base deleted (G; older notation c.4545delG).
Protein change: p.Lys1515fs; shifts the reading frame from lysine 1515.
Molecular consequence: frameshift variant.
Genome position (GRCh38, 1-based): chr5:13,864,448, C deleted on the plus strand (G on the coding strand, the reverse complement: DNAH5 is on the minus strand). VCF-style (leftmost placement, unchanged base first): chr5-13864447-AC-A. GRCh37 (hg19) VCF-style: chr5-13864556-AC-A.
Other names: short protein forms K1515fs.
Identifiers: ClinVar variation 1726430 (VCV001726430.2), dbSNP rs2546978418, ClinGen allele CA2580072101.